The following is an entry in ClinVar:

ClinVar aggregate classification (germline): Conflicting classifications of pathogenicity. Review status: criteria provided, conflicting classifications (1 of 4 stars). 4 submissions from 4 submitters: Uncertain significance (2); Likely benign (1). 1 of the submissions does not count toward it. Last evaluated 2025-05-30.

Conditions:
MITF-related disorder. Also called: MITF-related condition.
Tietz syndrome (TADS). Also called: TIETZ ALBINISM-DEAFNESS SYNDROME; HYPOPIGMENTATION/DEAFNESS OF TIETZ; ALBINISM-DEAFNESS OF TIETZ. Identifiers: Orphanet 42665, MedGen C0391816, MONDO:0007077, OMIM 103500.
Waardenburg syndrome type 2A (WS2A). Also called: WAARDENBURG SYNDROME WITHOUT DYSTOPIA CANTHORUM. Identifiers: Orphanet 3440, MedGen C1860339, MONDO:0008671, OMIM 193510.
Melanoma, cutaneous malignant, susceptibility to, 8. Also called: MELANOMA AND RENAL CELL CARCINOMA, SUSCEPTIBILITY TO; Cutaneous malignant melanoma 8. Identifiers: Orphanet 293822, MedGen C3152204, MONDO:0013759, OMIM 614456.

gnomAD v4.1: 4 of 1,613,850 alleles (0.00025%); highest among the groups gnomAD compares: Non-Finnish European, 0.00034%; no homozygotes.

Submissions (4):

Labcorp Genetics (formerly Invitae), Labcorp
Classification: Likely benign for Melanoma, cutaneous malignant, susceptibility to, 8; Waardenburg syndrome type 2A; Tietz syndrome. Last evaluated: 2025-05-30. Review status: criteria provided, single submitter. Criteria: Invitae Variant Classification Sherloc (09022015). Collection method: clinical testing. Allele origin: germline.

GeneDx
Classification: Uncertain significance. Last evaluated: 2025-02-07. Review status: criteria provided, single submitter. Criteria: GeneDx Variant Classification Process June 2021. Collection method: clinical testing. Allele origin: germline. Affected: yes.
Comment: Not observed at significant frequency in large population cohorts (gnomAD); In silico analysis supports that this variant does not alter splicing; Has not been previously published as pathogenic or benign to our knowledge

Genetic Services Laboratory, University of Chicago
Classification: Uncertain significance. Last evaluated: 2021-06-15. Review status: criteria provided, single submitter. Criteria: ACMG Guidelines, 2015. Collection method: clinical testing. Allele origin: germline. Affected: no.
Comment: DNA sequence analysis of the MITF gene demonstrated a sequence change in intron 2, c.262-9T>C. This sequence change is absent from known population databases (gnomAD). This sequence change is not clearly predicted to have a deleterious effect on splicing based on in silico splice prediction programs. It is possible that this sequence change represents a benign sequence change in the MITF gene that has not been identified to date. This change does not appear to have been previously described in patients with MITF-related disorders. Due to the lack of sufficient evidences, the functional and clinical significance of this sequence change is not known at present

PreventionGenetics, part of Exact Sciences
Classification: Likely benign for MITF-related condition. Last evaluated: 2022-03-03. Review status: no assertion criteria provided. Collection method: clinical testing. Allele origin: germline. Not counted in ClinVar's aggregate classification.
Comment: This variant is classified as likely benign based on ACMG/AMP sequence variant interpretation guidelines (Richards et al. 2015 PMID: 25741868, with internal and published modifications).

NM_001354604.2(MITF):c.583-9T>C

Gene: MITF (melanocyte inducing transcription factor; plus strand). Cytogenetic location: 3p13.
Variant type: single nucleotide variant.
Coding change: c.583-9T>C on transcript NM_001354604.2 (MANE Select); 9 bases into the intron before coding-DNA position 583, T replaced by C.
Molecular consequence: intron variant.
Genome position (GRCh38, 1-based): chr3:69,939,089, T>C. VCF-style: chr3-69939089-T-C. GRCh37 (hg19) VCF-style: chr3-69988240-T-C.
Other names: c.532-9T>C (NM_001354607.2); c.427-9T>C (NM_001354608.2, NM_001184967.2); c.583-9T>C (NM_198159.3); c.580-9T>C (NM_001354605.2, NM_001354606.2, NM_006722.3); c.535-9T>C (NM_198177.3); c.262-9T>C (NM_000248.4, NM_198158.3); c.94-9T>C (NM_198178.3).
Identifiers: ClinVar variation 1337965 (VCV001337965.12), dbSNP rs1576007776, ClinGen allele CA2573052235.
Genomic context (GRCh38, chr3:69,939,089, plus strand): 5'-TGTGAACAGGTCATTAAAAAGTCATTTGCAAATCCAAGTTATAGACTGTTTTTGCTTGTG[T>C]TTTTGCAGGGATTTTATAAGTTTGAAGAGCAAAACAGGGCAGAGAGCGAGTGCCCAGGCA-3'